The following is an entry in ClinVar:

NM_003119.4(SPG7):c.1699G>C (p.Glu567Gln)

Gene: SPG7 (SPG7 matrix AAA peptidase subunit, paraplegin; plus strand). Cytogenetic location: 16q24.3.
Variant type: single nucleotide variant.
Coding change: c.1699G>C on transcript NM_003119.4 (MANE Select); coding-DNA position 1699, G replaced by C.
Protein change: p.Glu567Gln; replaces glutamic acid 567 with glutamine.
Molecular consequence: missense variant.
Genome position (GRCh38, 1-based): chr16:89,550,529, G>C. VCF-style: chr16-89550529-G-C. GRCh37 (hg19) VCF-style: chr16-89616937-G-C.
Other names: c.1699G>C, p.Glu567Gln (NM_001363850.1); short protein forms E567Q.
Identifiers: ClinVar variation 1933854 (VCV001933854.5), dbSNP rs577389704, ClinGen allele CA397430823.
Genomic context (GRCh38, chr16:89,550,529, plus strand): 5'-AACTCATACCCCGGCATTCTTTCAGGGACTGCCAAAAAGAGCAAGATCCTGTCCAAGGAA[G>C]AACAGAAAGTGGTTGCGTTTCATGAGTCGGGCCACGCCTTGGTGGGCTGGATGCTGGAGC-3'
Protein context (NP_003110.1, residues 557-577): AKKSKILSKE[Glu567Gln]QKVVAFHESG

ClinVar aggregate classification (germline): Uncertain significance (1 of 4 stars; one submission).

Conditions:
Hereditary spastic paraplegia 7 (SPG7). Also called: SPG7-related neurologic disorder; Autosomal recessive spastic paraplegia type 7; Spastic paraplegia 7; Hereditary spastic paraplegia Paraplegin type; SPASTIC PARAPLEGIA 7, AUTOSOMAL RECESSIVE, WITH OR WITHOUT CEREBELLAR ATAXIA. Identifiers: Orphanet 99013, MedGen C1846564, MONDO:0011803, OMIM 607259.

gnomAD v4.1: 2 of 1,613,986 alleles (0.00012%); highest among the groups gnomAD compares: Admixed American, 0.0033%; no homozygotes.

Submission:

Labcorp Genetics (formerly Invitae), Labcorp
Classification: Uncertain significance for Hereditary spastic paraplegia 7. Last evaluated: 2024-03-18. Review status: criteria provided, single submitter. Criteria: Invitae Variant Classification Sherloc (09022015). Collection method: clinical testing. Allele origin: germline.
Comment: This sequence change replaces glutamic acid, which is acidic and polar, with glutamine, which is neutral and polar, at codon 567 of the SPG7 protein (p.Glu567Gln). This variant is present in population databases (no rsID available, gnomAD 0.003%). This variant has not been reported in the literature in individuals affected with SPG7-related conditions. ClinVar contains an entry for this variant (Variation ID: 1933854). Advanced modeling of protein sequence and biophysical properties (such as structural, functional, and spatial information, amino acid conservation, physicochemical variation, residue mobility, and thermodynamic stability) performed at Invitae indicates that this missense variant is not expected to disrupt SPG7 protein function with a negative predictive value of 80%. In summary, the available evidence is currently insufficient to determine the role of this variant in disease. Therefore, it has been classified as a Variant of Uncertain Significance.